The following is an entry in ClinVar:

NM_004553.6(NDUFS6):c.309G>A (p.Leu103=)

Gene: NDUFS6 (NADH:ubiquinone oxidoreductase subunit S6; plus strand). Cytogenetic location: 5p15.33.
Variant type: single nucleotide variant.
Coding change: c.309G>A on transcript NM_004553.6 (MANE Select); coding-DNA position 309, G replaced by A.
Protein change: p.Leu103=; no amino-acid change (leucine 103 retained).
Molecular consequence: synonymous variant.
Genome position (GRCh38, 1-based): chr5:1,814,461, G>A. VCF-style: chr5-1814461-G-A. GRCh37 (hg19) VCF-style: chr5-1814575-G-A.
Identifiers: ClinVar variation 1356726 (VCV001356726.3), dbSNP rs767556342, ClinGen allele CA3187643.
Genomic context (GRCh38, chr5:1,814,461, plus strand): 5'-GGTGATAGCGTGCGATGGCGGCGGGGGAGCTCTTGGCCACCCAAAAGTGTATATAAACTT[G>A]GTGCGTAGCTGGCCACCTGTGCACATGTTAGGGCAGCCTGCTCGTCCTCATACTCCCCTT-3'
Protein context (NP_004544.1, residues 93-113): ALGHPKVYIN[Leu103=]DKETKTGTCG

ClinVar aggregate classification (germline): Uncertain significance (1 of 4 stars; one submission).

Allele frequency attached by ClinVar (database versions not stated): gnomAD exomes below 0.00001 and 0.00001; gnomAD 0.00001; TOPMed 0.00001; ExAC 0.00002.
gnomAD v4.1: 8 of 1,614,042 alleles (0.0005%); highest among the groups gnomAD compares: East Asian, 0.011%; no homozygotes.

Submission:

Labcorp Genetics (formerly Invitae), Labcorp
Classification: Uncertain significance. Last evaluated: 2022-02-15. Review status: criteria provided, single submitter. Criteria: Invitae Variant Classification Sherloc (09022015). Collection method: clinical testing. Allele origin: germline.
Comment: This sequence change affects codon 103 of the NDUFS6 mRNA. It is a 'silent' change, meaning that it does not change the encoded amino acid sequence of the NDUFS6 protein. This variant also falls at the last nucleotide of exon 3, which is part of the consensus splice site for this exon. This variant is present in population databases (rs767556342, gnomAD 0.02%). This variant has not been reported in the literature in individuals affected with NDUFS6-related conditions. Variants that disrupt the consensus splice site are a relatively common cause of aberrant splicing (PMID: 17576681, 9536098). Algorithms developed to predict the effect of sequence changes on RNA splicing suggest that this variant may disrupt the consensus splice site. In summary, the available evidence is currently insufficient to determine the role of this variant in disease. Therefore, it has been classified as a Variant of Uncertain Significance.

Literature cited by the submitters: PubMed 17576681; PubMed 9536098.